The following is an entry in ClinVar:

ClinVar aggregate classification (germline): Uncertain significance. Review status: reviewed by expert panel (3 of 4 stars). 5 submissions from 5 submitters: Uncertain significance (1). 4 of the submissions do not count toward it. Last evaluated 2023-06-15.

Conditions:
Marfan syndrome (MFS). Also called: MARFAN SYNDROME, TYPE I; Marfan syndrome, classic; FBN1-Related Marfan Syndrome; Marfan syndrome type 1; Marfan's syndrome. Identifiers: Orphanet 284963, Orphanet 558, MedGen C0024796, MONDO:0007947, OMIM 154700.
Familial thoracic aortic aneurysm and aortic dissection (TAAD). Also called: Thoracic aortic aneurysms and dissections. Identifiers: Orphanet 91387, MedGen C4707243, MONDO:0019625.
Acromicric dysplasia (ACMICD). Also called: Acromicric skeletal dysplasia. Identifiers: Orphanet 969, MedGen C0265287, MONDO:0007055, OMIM 102370.
Geleophysic dysplasia 2 (GPHYSD2). Identifiers: Orphanet 2623, MedGen C3280054, MONDO:0013612, OMIM 614185.
Progeroid and marfanoid aspect-lipodystrophy syndrome. Also called: MARFANOID-PROGEROID-LIPODYSTROPHY SYNDROME; MARFANOID-PROGEROID SYNDROME; MARFAN-PROGEROID-LIPODYSTROPHY SYNDROME; Marfan lipodystrophy syndrome. Identifiers: Orphanet 300382, MedGen C4310796, MONDO:0014831, OMIM 616914.
Ectopia lentis 1, isolated, autosomal dominant (ECTOL1). Identifiers: Orphanet 1885, MedGen C3541518, MONDO:0007514, OMIM 129600.
MASS syndrome (OCTD). Also called: MASS PHENOTYPE; OVERLAP CONNECTIVE TISSUE DISEASE. Identifiers: MedGen C1858556, MONDO:0011431, OMIM 604308.
Weill-Marchesani syndrome 2, dominant. Also called: FBN1-Related Weill-Marchesani Syndrome; Weill-Marchesani Syndrome, Autosomal Dominant. Identifiers: Orphanet 2084, MedGen C1869115, MONDO:0012013, OMIM 608328.
Stiff skin syndrome (SSKS). Identifiers: Orphanet 2833, MedGen C1861456, MONDO:0008492, OMIM 184900.

Submissions (5):

ClinGen FBN1 Variant Curation Expert Panel, ClinGen
Classification: Uncertain significance for Marfan syndrome. Last evaluated: 2023-06-15. Review status: reviewed by expert panel. Criteria: Assertion Criteria VCEP FBN1 Version 1. Collection method: curation. Allele origin: germline. Inheritance: Autosomal dominant inheritance.
Comment: The NM_000138 c.4466A>G variant is a missense variant in FBN1 predicted to cause a substitution of asparagine by serine at amino position 1489. This variant has not been reported in the literature but has been reported in ClinVar three times as a variant of uncertain significance (Variation ID: 373598). This variant lies in a critical calcium binding site within a calcium-binding EGF domain; however, since asparagine to serine substitutions in these positions might be tolerated (PMID: 31227806) the PM1 criterion has not been used. It is not present in gnomAD v2.1.1 nor v3.1.2 (PM2_supporting). Computational prediction tools and conservation analysis are unclear about the predicted impact of this variant (REVEL = 0.556). The constraint z-score for missense variants affecting FBN1 is 5.06 (PP2). Another missense variant at the same position (p.Asn1489Lys) is classified as likely pathogenic (PM5; PMIDs: 20082464, 26621581; 21542060). Due to the insufficient evidence, this variant is classified as of uncertain significance for Marfan syndrome based on the ACMG/AMP criteria applied, as specified by the ClinGen FBN1 VCEP: PM2_supporting, PP2, PM5.

Ambry Genetics
Classification: Uncertain significance for Familial thoracic aortic aneurysm and aortic dissection. Last evaluated: 2026-06-23. Review status: criteria provided, single submitter. Criteria: Ambry Variant Classification Scheme 2023. Collection method: clinical testing. Allele origin: germline. Not counted in ClinVar's aggregate classification.
Comment: The p.N1489S variant (also known as c.4466A>G), located in coding exon 36 of the FBN1 gene, results from an A to G substitution at nucleotide position 4466. The asparagine at codon 1489 is replaced by serine, an amino acid with highly similar properties. This amino acid position is well conserved in available vertebrate species. In addition, the in silico prediction for this alteration is inconclusive. Based on the available evidence, the clinical significance of this variant remains unclear.

Labcorp Genetics (formerly Invitae), Labcorp
Classification: Uncertain significance for Marfan syndrome; Familial thoracic aortic aneurysm and aortic dissection. Last evaluated: 2025-07-14. Review status: criteria provided, single submitter. Criteria: Invitae Variant Classification Sherloc (09022015). Collection method: clinical testing. Allele origin: germline. Not counted in ClinVar's aggregate classification.
Comment: This sequence change replaces asparagine, which is neutral and polar, with serine, which is neutral and polar, at codon 1489 of the FBN1 protein (p.Asn1489Ser). This variant is not present in population databases (gnomAD no frequency). This missense change has been observed in individual(s) with Marfan syndrome (internal data). ClinVar contains an entry for this variant (Variation ID: 373598). Invitae Evidence Modeling of protein sequence and biophysical properties (such as structural, functional, and spatial information, amino acid conservation, physicochemical variation, residue mobility, and thermodynamic stability) indicates that this missense variant is expected to disrupt FBN1 protein function with a positive predictive value of 80%. This variant disrupts the p.Asn1489 amino acid residue in FBN1. Other variant(s) that disrupt this residue have been determined to be pathogenic (PMID: 20082464, 21542060, 26621581; internal data). This suggests that this residue is clinically significant, and that variants that disrupt this residue are likely to be disease-causing. In summary, the available evidence is currently insufficient to determine the role of this variant in disease. Therefore, it has been classified as a Variant of Uncertain Significance.

Fulgent Genetics
Classification: Uncertain significance for Acromicric dysplasia; Ectopia lentis 1, isolated, autosomal dominant; Marfan syndrome; Stiff skin syndrome; MASS syndrome; Weill-Marchesani syndrome 2, dominant; Geleophysic dysplasia 2; Progeroid and marfanoid aspect-lipodystrophy syndrome. Last evaluated: 2021-07-27. Review status: criteria provided, single submitter. Criteria: ACMG Guidelines, 2015. Collection method: clinical testing. Allele origin: unknown. Not counted in ClinVar's aggregate classification.

GeneDx
Classification: Uncertain significance. Last evaluated: 2016-11-29. Review status: criteria provided, single submitter. Criteria: GeneDx Variant Classification (06012015). Collection method: clinical testing. Allele origin: germline. Affected: yes. Not counted in ClinVar's aggregate classification.
Comment: A variant of uncertain significance has been identified in the FBN1 gene. The N1489S variant has not been published as a pathogenic variant or been reported as a benign variant to our knowledge. This variant was not observed in the Exome Aggregation Consortium or in approximately 6,500 individuals of European and African American ancestry in the NHLBI Exome Sequencing Project, indicating it is not a common benign variant in these populations. Although the N1489S variant is a conservative amino acid substitution, which is not likely to impact secondary protein structure as these residues share similar properties, it occurs at a position that is conserved in mammals. Furthermore, in silico analysis predicts this variant is probably damaging to the protein structure/function. Nevertheless, although the N1489S variant is located within a calcium-binding EGF-like domain of the FBN1 gene, it does not affect a Cysteine residue. Cysteine substitutions in the calcium-binding EGF-like domains represent the majority of pathogenic missense changes associated with Marfan syndrome (Collod-Beroud et al., 2003). It should be noted that another missense substitution at the same residue (N1489K) has been reported in the Human Gene Mutation Database in association with Marfan syndrome (Stenson et al., 2014); however, it also does not affect a Cysteine residue. Additionally, although several missense substitutions in nearby residues (C1485G, C1485R, C1485Y, D1487A, C1491F, C1491Y) have been reported in association with Marfan syndrome (Stenson et al., 2014), the majority of them do affect a Cysteine residue.Therefore, based on the currently available information, it is unclear whether this variant is pathogenic or benign. This result cannot be interpreted for diagnosis or used for family member screening at this time.

Literature cited by the submitters: PubMed 20082464 (cited by Labcorp Genetics (formerly Invitae), Labcorp); PubMed 21542060 (cited by Labcorp Genetics (formerly Invitae), Labcorp); PubMed 26621581 (cited by Labcorp Genetics (formerly Invitae), Labcorp).

NM_000138.5(FBN1):c.4466A>G (p.Asn1489Ser)

Gene: FBN1 (fibrillin 1; minus strand). Cytogenetic location: 15q21.1.
Variant type: single nucleotide variant.
Coding change: c.4466A>G on transcript NM_000138.5 (MANE Select); coding-DNA position 4466, A replaced by G.
Protein change: p.Asn1489Ser; replaces asparagine 1489 with serine.
Molecular consequence: missense variant.
Genome position (GRCh38, 1-based): chr15:48,468,528, T>C on the plus strand (A>G on the coding strand, the complement: FBN1 is on the minus strand). VCF-style: chr15-48468528-T-C. GRCh37 (hg19) VCF-style: chr15-48760725-T-C.
Other names: NM_000138.5(FBN1):c.4466A>G; p.Asn1489Ser; short protein forms N1489S.
Identifiers: ClinVar variation 373598 (VCV000373598.9), dbSNP rs1057518501, ClinGen allele CA16042872.
Genomic context (GRCh38, chr15:48,468,528, plus strand): 5'-TAGCTGCCTGGAGTGTTGACACAGTTCCCACTGATGCACGTGGTTGGATCCAGGCATTCA[T>C]TCACATCTAAAACCGAACAGTGAGTAGTGGAGTTATCACCTGAGCCAGTGTAGGCAGACA-3'
Protein context (NP_000129.3, residues 1479-1499): DRSGGNCTDV[Asn1489Ser]ECLDPTTCIS